The following is an entry in ClinVar:

ClinVar aggregate classification (germline): Likely benign (1 of 4 stars; one submission).

Submission:

CeGaT Center for Human Genetics Tuebingen
Classification: Likely benign. Last evaluated: 2023-04-01. Review status: criteria provided, single submitter. Criteria: CeGaT Center For Human Genetics Tuebingen Variant Classification Criteria Version 2. Collection method: clinical testing. Allele origin: germline. Affected: yes. Observed: 1 variant allele.
Comment: MYH7B: PM2:Supporting, BP4, BP7

NM_020884.7(MYH7B):c.5136G>A (p.Glu1712=)

Gene: MYH7B (myosin heavy chain 7B; plus strand). Cytogenetic location: 20q11.22.
Variant type: single nucleotide variant.
Coding change: c.5136G>A on transcript NM_020884.7 (MANE Select); coding-DNA position 5136, G replaced by A.
Protein change: p.Glu1712=; no amino-acid change (glutamic acid 1712 retained).
Molecular consequence: synonymous variant.
Genome position (GRCh38, 1-based): chr20:35,000,647, G>A. VCF-style: chr20-35000647-G-A. GRCh37 (hg19) VCF-style: chr20-33588450-G-A.
Identifiers: ClinVar variation 2652276 (VCV002652276.24), dbSNP rs2519239455, ClinGen allele CA510478667.
Genomic context (GRCh38, chr20:35,000,647, plus strand): 5'-GGAGGAGCTGCGGGCTGCCCTGGAGCAGGGCGAGCGCAGCCGGCGACTGGCAGAGCAGGA[G>A]CTTTTGGAGGCCACCGAGCGCCTCAACCTTCTGCATTCGCAGGTGGGGACAGGAGTCCCT-3'
Protein context (NP_065935.4, residues 1702-1722): GERSRRLAEQ[Glu1712=]LLEATERLNL